The following is an entry in ClinVar:

NM_001134407.3(GRIN2A):c.730dup (p.Arg244fs)

Gene: GRIN2A (glutamate ionotropic receptor NMDA type subunit 2A; minus strand). Cytogenetic location: 16p13.2.
Variant type: Duplication.
Coding change: c.730dup on transcript NM_001134407.3 (MANE Select); coding-DNA position 730, one base duplicated (C; older notation c.730dupC).
Protein change: p.Arg244fs; shifts the reading frame from arginine 244.
Molecular consequence: frameshift variant.
Genome position (GRCh38, 1-based): chr16:9,938,236, G duplicated on the plus strand (C on the coding strand, the reverse complement: GRIN2A is on the minus strand); the first of 3 consecutive G bases (chr16:9,938,236-9,938,238); duplicating any one gives the same sequence. VCF-style (leftmost placement, unchanged base first): chr16-9938235-C-CG. GRCh37 (hg19) VCF-style: chr16-10032092-C-CG.
Other names: c.730dup, p.Arg244fs (NM_000833.5, NM_001134408.2); short protein forms R244fs.
Identifiers: ClinVar variation 981283 (VCV000981283.2), dbSNP rs2044762657, ClinGen allele CA1139664521.
Genomic context (GRCh38, chr16:9,938,235, plus strand): 5'-TTCCCAGAGACCAAGCTGGGGACAATCCAGAAGAAATCATACCCGGTGAGGCCAAGGGAG[C>CG]GGGCCTCACTCAGAATGAGAACAGCCTCGTCTTTGGAACAGTAGAGCAAGATGACAGAAG-3'

ClinVar aggregate classification (germline): Pathogenic/Likely pathogenic. Review status: criteria provided, multiple submitters, no conflicts (2 of 4 stars). 2 submissions from 2 submitters: Pathogenic (1); Likely pathogenic (1). Last evaluated 2023-04-18.

Conditions:
Intellectual disability. Also called: Intellectual functioning disability; Intellectual developmental disorder; intellectual disabilities. Identifiers: MedGen C3714756, MeSH D008607, MONDO:0001071, HP:0001249.
Landau-Kleffner syndrome (FESD). Also called: EPILEPSY, FOCAL, WITH SPEECH DISORDER AND WITH OR WITHOUT MENTAL RETARDATION; APHASIA, ACQUIRED, WITH EPILEPSY. Identifiers: Orphanet 1945, Orphanet 725, Orphanet 98818, MedGen C0282512, MONDO:0009509, OMIM 245570.

Submissions (2):

Institute of Human Genetics, University of Leipzig Medical Center
Classification: Pathogenic for Landau-Kleffner syndrome. Last evaluated: 2023-04-18. Review status: criteria provided, single submitter. Criteria: ACMG Guidelines, 2015. Collection method: clinical testing. Allele origin: unknown. Affected: yes.
Comment: _x000D_ Criteria applied: PVS1, PS4_SUP, PM2_SUP

Diagnostic Laboratory, Strasbourg University Hospital
Classification: Likely pathogenic for Intellectual disability. Last evaluated: 2020-09-10. Review status: criteria provided, single submitter. Criteria: ACMG Guidelines, 2015. Collection method: clinical testing. Allele origin: unknown. Affected: yes. Observed: 1 heterozygote.